The following is an entry in ClinVar:

NM_006015.6(ARID1A):c.5768C>G (p.Thr1923Ser)

Gene: ARID1A (AT-rich interaction domain 1A; plus strand). Cytogenetic location: 1p36.11.
Variant type: single nucleotide variant.
Coding change: c.5768C>G on transcript NM_006015.6 (MANE Select); coding-DNA position 5768, C replaced by G.
Protein change: p.Thr1923Ser; replaces threonine 1923 with serine.
Molecular consequence: missense variant.
Genome position (GRCh38, 1-based): chr1:26,779,666, C>G. VCF-style: chr1-26779666-C-G. GRCh37 (hg19) VCF-style: chr1-27106157-C-G.
Other names: c.5117C>G, p.Thr1706Ser (NM_139135.4); short protein forms T1706S, T1923S.
Identifiers: ClinVar variation 4976100 (VCV004976100.1).

ClinVar aggregate classification (germline): Uncertain significance (1 of 4 stars; one submission).

Submission:

GeneDx
Classification: Uncertain significance. Last evaluated: 2026-02-18. Review status: criteria provided, single submitter. Criteria: GeneDx Variant Classification Process June 2021. Collection method: clinical testing. Allele origin: germline.
Comment: Not observed at significant frequency in large population cohorts (gnomAD); In silico analysis suggests that this missense variant does not alter protein structure/function; Has not been previously published as pathogenic or benign to our knowledge